The following is an entry in ClinVar:

ClinVar aggregate classification (germline): Uncertain significance (1 of 4 stars; one submission).

Submission:

Labcorp Genetics (formerly Invitae), Labcorp
Classification: Uncertain significance. Last evaluated: 2022-02-08. Review status: criteria provided, single submitter. Criteria: Invitae Variant Classification Sherloc (09022015). Collection method: clinical testing. Allele origin: germline.
Comment: In summary, the available evidence is currently insufficient to determine the role of this variant in disease. Therefore, it has been classified as a Variant of Uncertain Significance. Algorithms developed to predict the effect of missense changes on protein structure and function are either unavailable or do not agree on the potential impact of this missense change (SIFT: "Deleterious"; PolyPhen-2: "Benign"; Align-GVGD: "Class C25"). This variant has not been reported in the literature in individuals affected with CNGA1-related conditions. This variant is not present in population databases (gnomAD no frequency). This sequence change replaces methionine, which is neutral and non-polar, with threonine, which is neutral and polar, at codon 281 of the CNGA1 protein (p.Met281Thr).

NM_001379270.1(CNGA1):c.830T>C (p.Met277Thr)

Genes: CNGA1 (cyclic nucleotide gated channel subunit alpha 1; minus strand), LOC101927157 (uncharacterized LOC101927157; plus strand). Cytogenetic location: 4p12.
Variant type: single nucleotide variant.
Coding change: c.830T>C on transcript NM_001379270.1 (MANE Select); coding-DNA position 830, T replaced by C.
Protein change: p.Met277Thr; replaces methionine 277 with threonine.
Molecular consequence: missense variant.
Genome position (GRCh38, 1-based): chr4:47,937,652, A>G on the plus strand (T>C on the coding strand, the complement: CNGA1 is on the minus strand). VCF-style: chr4-47937652-A-G. GRCh37 (hg19) VCF-style: chr4-47939669-A-G.
Other names: c.830T>C, p.Met277Thr (NM_000087.5, NM_001142564.2); short protein forms M277T.
Identifiers: ClinVar variation 2095220 (VCV002095220.4), dbSNP rs2475752785, ClinGen allele CA356828102.